The following is an entry in ClinVar:

NM_024570.4(RNASEH2B):c.693C>G (p.Tyr231Ter)

Gene: RNASEH2B (ribonuclease H2 subunit B; plus strand). Cytogenetic location: 13q14.3.
Variant type: single nucleotide variant.
Coding change: c.693C>G on transcript NM_024570.4 (MANE Select); coding-DNA position 693, C replaced by G.
Protein change: p.Tyr231Ter; replaces tyrosine 231 with a stop codon.
Molecular consequence: nonsense.
Genome position (GRCh38, 1-based): chr13:50,948,063, C>G. VCF-style: chr13-50948063-C-G. GRCh37 (hg19) VCF-style: chr13-51522199-C-G.
Other names: c.693C>G, p.Tyr231Ter (NM_001142279.2, NM_001411023.1); short protein forms Y231*.
Identifiers: ClinVar variation 4727551 (VCV004727551.1).

ClinVar aggregate classification (germline): Pathogenic (1 of 4 stars; one submission).

Conditions:
Aicardi-Goutieres syndrome 2. Identifiers: Orphanet 51, MedGen C3489724, MONDO:0012429, OMIM 610181.

Submission:

Labcorp Genetics (formerly Invitae), Labcorp
Classification: Pathogenic for Aicardi-Goutieres syndrome 2. Last evaluated: 2025-09-21. Review status: criteria provided, single submitter. Criteria: Invitae Variant Classification Sherloc (09022015). Collection method: clinical testing. Allele origin: germline.
Comment: This sequence change creates a premature translational stop signal (p.Tyr231*) in the RNASEH2B gene. It is expected to result in an absent or disrupted protein product. Loss-of-function variants in RNASEH2B are known to be pathogenic (PMID: 17846997). This variant is not present in population databases (gnomAD no frequency). This variant has not been reported in the literature in individuals affected with RNASEH2B-related conditions. Algorithms developed to predict the effect of sequence changes on RNA splicing suggest that this variant may disrupt the consensus splice site. For these reasons, this variant has been classified as Pathogenic.

Literature cited by the submitters: PubMed 17846997.